The following is an entry in ClinVar:

NC_000004.12:g.1395423G>A

Genes: CRIPAK (cysteine rich PAK1 inhibitor; plus strand), UVSSA (UV stimulated scaffold protein A; plus strand), LOC126806945 (P300/CBP strongly-dependent group 1 enhancer GRCh37_chr4:1388225-1389424; plus strand). Cytogenetic location: 4p16.3.
Variant type: single nucleotide variant.
Genome position: GRCh38 VCF-style: chr4-1395423-G-A. GRCh37 (hg19) VCF-style: chr4-1389211-G-A.
Identifiers: ClinVar variation 4681533 (VCV004681533.5).

ClinVar aggregate classification (germline): Likely benign (1 of 4 stars; one submission).

gnomAD v4.1: 31 of 1,506,346 alleles (0.0021%); highest among the groups gnomAD compares: African/African-American, 0.0033%; no homozygotes.

Submission:

CeGaT Center for Human Genetics Tuebingen
Classification: Likely benign. Last evaluated: 2025-12-01. Review status: criteria provided, single submitter. Criteria: CeGaT Center For Human Genetics Tuebingen Variant Classification Criteria Version 2. Collection method: clinical testing. Allele origin: germline. Affected: yes. Observed: 1 variant allele.
Comment: CRIPAK: BP4, BP7